The following is an entry in ClinVar:

ClinVar aggregate classification (germline): Uncertain significance (1 of 4 stars; one submission).

Allele frequency attached by ClinVar (database versions not stated): gnomAD 0.00001; TOPMed 0.00001.
gnomAD v4.1: 1 of 1,613,972 alleles (0.000062%); highest among the groups gnomAD compares: Non-Finnish European, 0.000085%; no homozygotes.

Submission:

Labcorp Genetics (formerly Invitae), Labcorp
Classification: Uncertain significance. Last evaluated: 2022-04-09. Review status: criteria provided, single submitter. Criteria: Invitae Variant Classification Sherloc (09022015). Collection method: clinical testing. Allele origin: germline.
Comment: In summary, the available evidence is currently insufficient to determine the role of this variant in disease. Therefore, it has been classified as a Variant of Uncertain Significance. Algorithms developed to predict the effect of missense changes on protein structure and function are either unavailable or do not agree on the potential impact of this missense change (SIFT: "Deleterious"; PolyPhen-2: "Possibly Damaging"; Align-GVGD: "Class C0"). This variant has not been reported in the literature in individuals affected with RBP3-related conditions. This variant is present in population databases (no rsID available, gnomAD 0.0009%). This sequence change replaces serine, which is neutral and polar, with asparagine, which is neutral and polar, at codon 1172 of the RBP3 protein (p.Ser1172Asn).

NM_002900.3(RBP3):c.3515G>A (p.Ser1172Asn)

Gene: RBP3 (retinol binding protein 3; plus strand). Cytogenetic location: 10q11.22.
Variant type: single nucleotide variant.
Coding change: c.3515G>A on transcript NM_002900.3 (MANE Select); coding-DNA position 3515, G replaced by A.
Protein change: p.Ser1172Asn; replaces serine 1172 with asparagine.
Molecular consequence: missense variant.
Genome position (GRCh38, 1-based): chr10:47,357,228, G>A. VCF-style: chr10-47357228-G-A. GRCh37 (hg19) VCF-style: chr10-48382134-C-T.
Other names: short protein forms S1172N.
Identifiers: ClinVar variation 1959025 (VCV001959025.5), dbSNP rs1555212060, ClinGen allele CA376677356.
Genomic context (GRCh38, chr10:47,357,228, plus strand): 5'-AGGAGTTCACCTATATCATGAAGAGGCTGGGCCGGGCCCTGGTCATTGGGGAGGTGACCA[G>A]TGGGGGCTGCCAGCCACCACAGACCTACCACGTGGATGACACCAACCTCTACCTCACTAT-3'
Protein context (NP_002891.1, residues 1162-1182): GRALVIGEVT[Ser1172Asn]GGCQPPQTYH